The following is an entry in ClinVar:

ClinVar aggregate classification (germline): Uncertain significance. Review status: criteria provided, multiple submitters, no conflicts (2 of 4 stars). 4 submissions from 4 submitters: Uncertain significance (4). Last evaluated 2024-03-06.

Conditions:
Arrhythmogenic cardiomyopathy with wooly hair and keratoderma. Also called: Carvajal syndrome; PALMOPLANTAR KERATODERMA WITH LEFT VENTRICULAR CARDIOMYOPATHY AND WOOLLY HAIR; Dilated cardiomyopathy with woolly hair and keratoderma; Arrhythmogenic cardiomyopathy with woolly hair and keratoderma. Identifiers: Orphanet 65282, MedGen C1854063, MONDO:0011581, OMIM 605676.
Cardiomyopathy (CMYO). Also called: Cardiomyopathies. Identifiers: Orphanet 167848, MedGen C0878544, MONDO:0004994, HP:0001638. Inheritance: Various modes of inheritance.
Arrhythmogenic right ventricular dysplasia 8 (ARVD8). Also called: Arrhythmogenic Right Ventricular Dysplasia/Cardiomyopathy 8; ARRHYTHMOGENIC RIGHT VENTRICULAR DYSPLASIA, FAMILIAL, 8; ARRHYTHMOGENIC RIGHT VENTRICULAR CARDIOMYOPATHY 8. Identifiers: MedGen C1843896, MONDO:0011831, OMIM 607450.

Allele frequency attached by ClinVar (database versions not stated): gnomAD exomes below 0.00001 and 0.00003.
gnomAD v4.1: 41 of 1,614,088 alleles (0.0025%); highest among the groups gnomAD compares: Non-Finnish European, 0.0033%; no homozygotes.

Submissions (4):

Color Diagnostics, LLC DBA Color Health
Classification: Uncertain significance for Cardiomyopathy. Last evaluated: 2024-03-06. Review status: criteria provided, single submitter. Criteria: ACMG Guidelines, 2015. Collection method: clinical testing. Allele origin: germline.
Comment: This missense variant replaces cysteine with serine at codon 1913 of the DSP protein. Computational prediction suggests that this variant may not impact protein structure and function (internally defined REVEL score threshold <= 0.5, PMID: 27666373). To our knowledge, functional studies have not been reported for this variant. This variant has not been reported in individuals affected with DSP-related disorders in the literature. This variant has been identified in 1/251166 chromosomes in the general population by the Genome Aggregation Database (gnomAD). The available evidence is insufficient to determine the role of this variant in disease conclusively. Therefore, this variant is classified as a Variant of Uncertain Significance.

Labcorp Genetics (formerly Invitae), Labcorp
Classification: Uncertain significance for Arrhythmogenic cardiomyopathy with wooly hair and keratoderma; Arrhythmogenic right ventricular dysplasia 8. Last evaluated: 2023-12-15. Review status: criteria provided, single submitter. Criteria: Invitae Variant Classification Sherloc (09022015). Collection method: clinical testing. Allele origin: germline.
Comment: This sequence change replaces cysteine, which is neutral and slightly polar, with serine, which is neutral and polar, at codon 1913 of the DSP protein (p.Cys1913Ser). This variant is present in population databases (rs755250746, gnomAD 0.0009%). This variant has not been reported in the literature in individuals affected with DSP-related conditions. ClinVar contains an entry for this variant (Variation ID: 925788). An algorithm developed to predict the effect of missense changes on protein structure and function (PolyPhen-2) suggests that this variant is likely to be tolerated. In summary, the available evidence is currently insufficient to determine the role of this variant in disease. Therefore, it has been classified as a Variant of Uncertain Significance.

All of Us Research Program, National Institutes of Health
Classification: Uncertain significance for Arrhythmogenic cardiomyopathy with wooly hair and keratoderma. Last evaluated: 2023-10-02. Review status: criteria provided, single submitter. Criteria: ACMG Guidelines, 2015. Collection method: clinical testing. Allele origin: germline. Inheritance: Autosomal dominant inheritance. Observed: 2 variant alleles, 2 heterozygotes.
Comment: This missense variant replaces cysteine with serine at codon 1913 of the DSP protein. Computational prediction suggests that this variant may not impact protein structure and function (internally defined REVEL score threshold <= 0.5, PMID: 27666373). To our knowledge, functional studies have not been reported for this variant. This variant has not been reported in individuals affected with DSP-related disorders in the literature. This variant has been identified in 1/251166 chromosomes in the general population by the Genome Aggregation Database (gnomAD). The available evidence is insufficient to determine the role of this variant in disease conclusively. Therefore, this variant is classified as a Variant of Uncertain Significance.

This study involves interpretation of variants in research participants for the purpose of population health screening. Participant phenotype was not available at the time of variant classification. Additional details can be found in publication PMID: 35346344, PMCID: PMC8962531

Blueprint Genetics
Classification: Uncertain significance. Last evaluated: 2021-06-02. Review status: criteria provided, single submitter. Criteria: ACMG Guidelines, 2015. Collection method: clinical testing. Allele origin: germline.

NM_004415.4(DSP):c.5738G>C (p.Cys1913Ser)

Gene: DSP (desmoplakin; plus strand). Cytogenetic location: 6p24.3.
Variant type: single nucleotide variant.
Coding change: c.5738G>C on transcript NM_004415.4 (MANE Select); coding-DNA position 5738, G replaced by C.
Protein change: p.Cys1913Ser; replaces cysteine 1913 with serine.
Molecular consequence: missense variant.
Genome position (GRCh38, 1-based): chr6:7,583,000, G>C. VCF-style: chr6-7583000-G-C. GRCh37 (hg19) VCF-style: chr6-7583233-G-C.
Other names: c.3941G>C, p.Cys1314Ser (NM_001008844.3); c.4409G>C, p.Cys1470Ser (NM_001319034.2); short protein forms C1314S, C1913S, C1470S.
Identifiers: ClinVar variation 925788 (VCV000925788.10), dbSNP rs755250746, ClinGen allele CA133972251.